The following is an entry in ClinVar:

ClinVar aggregate classification (germline): Uncertain significance (1 of 4 stars; one submission).

Conditions:
Hyperkalemic periodic paralysis. Also called: Familial hyperkalemic periodic paralysis; Gamstorp disease. Identifiers: Orphanet 682, MedGen C0238357, MONDO:0008224, OMIM 170500, HP:0007215.

Submission:

Labcorp Genetics (formerly Invitae), Labcorp
Classification: Uncertain significance for Hyperkalemic periodic paralysis. Last evaluated: 2024-02-14. Review status: criteria provided, single submitter. Criteria: Invitae Variant Classification Sherloc (09022015). Collection method: clinical testing. Allele origin: germline.
Comment: This sequence change replaces methionine, which is neutral and non-polar, with leucine, which is neutral and non-polar, at codon 403 of the SCN4A protein (p.Met403Leu). This variant is not present in population databases (gnomAD no frequency). This variant has not been reported in the literature in individuals affected with SCN4A-related conditions. Advanced modeling of protein sequence and biophysical properties (such as structural, functional, and spatial information, amino acid conservation, physicochemical variation, residue mobility, and thermodynamic stability) has been performed at Invitae for this missense variant, however the output from this modeling did not meet the statistical confidence thresholds required to predict the impact of this variant on SCN4A protein function. In summary, the available evidence is currently insufficient to determine the role of this variant in disease. Therefore, it has been classified as a Variant of Uncertain Significance.

NM_000334.4(SCN4A):c.1207A>T (p.Met403Leu)

Gene: SCN4A (sodium voltage-gated channel alpha subunit 4; minus strand). Cytogenetic location: 17q23.3.
Variant type: single nucleotide variant.
Coding change: c.1207A>T on transcript NM_000334.4 (MANE Select); coding-DNA position 1207, A replaced by T.
Protein change: p.Met403Leu; replaces methionine 403 with leucine.
Molecular consequence: missense variant.
Genome position (GRCh38, 1-based): chr17:63,966,137, T>A on the plus strand (A>T on the coding strand, the complement: SCN4A is on the minus strand). VCF-style: chr17-63966137-T-A. GRCh37 (hg19) VCF-style: chr17-62043497-T-A.
Other names: short protein forms M403L.
Identifiers: ClinVar variation 3640980 (VCV003640980.2).
Genomic context (GRCh38, chr17:63,966,137, plus strand): 5'-GGGGGCAGGGTGGGGGCAGCTGTACCAGCTGGAAGAGGTTCTCCCAATAGTCCTGTGTCA[T>A]GAGGCGGAAGAGAGCCAAGAAGGCCCAGCTGAAGGTGTCATAGCTGGTGTAGCCATAGTT-3'
Protein context (NP_000325.4, residues 393-413): SWAFLALFRL[Met403Leu]TQDYWENLFQ